The following is an entry in ClinVar:

ClinVar aggregate classification (germline): Uncertain significance (1 of 4 stars; one submission).

Allele frequency attached by ClinVar (database versions not stated): gnomAD exomes below 0.00001.
gnomAD v4.1: 3 of 1,608,904 alleles (0.00019%); highest among the groups gnomAD compares: Non-Finnish European, 0.00026%; no homozygotes.

Submission:

Labcorp Genetics (formerly Invitae), Labcorp
Classification: Uncertain significance. Last evaluated: 2022-06-13. Review status: criteria provided, single submitter. Criteria: Invitae Variant Classification Sherloc (09022015). Collection method: clinical testing. Allele origin: germline.
Comment: Advanced modeling of protein sequence and biophysical properties (such as structural, functional, and spatial information, amino acid conservation, physicochemical variation, residue mobility, and thermodynamic stability) performed at Invitae indicates that this missense variant is expected to disrupt SI protein function. This variant has not been reported in the literature in individuals affected with SI-related conditions. This variant is not present in population databases (gnomAD no frequency). This sequence change replaces glycine, which is neutral and non-polar, with arginine, which is basic and polar, at codon 519 of the SI protein (p.Gly519Arg). In summary, the available evidence is currently insufficient to determine the role of this variant in disease. Therefore, it has been classified as a Variant of Uncertain Significance.

NM_001041.4(SI):c.1555G>A (p.Gly519Arg)

Gene: SI (sucrase-isomaltase; minus strand). Cytogenetic location: 3q26.1.
Variant type: single nucleotide variant.
Coding change: c.1555G>A on transcript NM_001041.4 (MANE Select); coding-DNA position 1555, G replaced by A.
Protein change: p.Gly519Arg; replaces glycine 519 with arginine.
Molecular consequence: missense variant.
Genome position (GRCh38, 1-based): chr3:165,049,833, C>T on the plus strand (G>A on the coding strand, the complement: SI is on the minus strand). VCF-style: chr3-165049833-C-T. GRCh37 (hg19) VCF-style: chr3-164767621-C-T.
Other names: short protein forms G519R.
Identifiers: ClinVar variation 2004081 (VCV002004081.4), dbSNP rs2473380830, ClinGen allele CA355053208.